The following is an entry in ClinVar:

NM_000435.3(NOTCH3):c.4298_4299delinsAT (p.Cys1433Tyr)

Gene: NOTCH3 (notch receptor 3; minus strand). Cytogenetic location: 19p13.12.
Variant type: Indel.
Coding change: c.4298_4299delinsAT on transcript NM_000435.3 (MANE Select); coding-DNA positions 4298 to 4299, GC replaced by AT.
Protein change: p.Cys1433Tyr; replaces cysteine 1433 with tyrosine.
Molecular consequence: missense variant.
Genome position (GRCh38, 1-based): chr19:15,177,629-15,177,630, GC replaced by AT on the plus strand (GC replaced by AT on the coding strand, the reverse complement: NOTCH3 is on the minus strand). VCF-style: chr19-15177629-GC-AT. GRCh37 (hg19) VCF-style: chr19-15288440-GC-AT.
Other names: short protein forms C1433Y.
Identifiers: ClinVar variation 1709435 (VCV001709435.2), dbSNP rs2512636924, ClinGen allele CA2580096651.

ClinVar aggregate classification (germline): Uncertain significance (1 of 4 stars; one submission).

Conditions:
Cerebral arteriopathy, autosomal dominant, with subcortical infarcts and leukoencephalopathy, type 1 (CADASIL1). Also called: DEMENTIA, HEREDITARY MULTIINFARCT TYPE; CADASIL 1; CASIL; Cerebral arteriopathy with subcortical infarcts and leukoencephalopathy 1. Identifiers: Orphanet 136, MedGen C4551768, MONDO:0000914, OMIM 125310.

Submission:

MGZ Medical Genetics Center
Classification: Uncertain significance for Cerebral arteriopathy, autosomal dominant, with subcortical infarcts and leukoencephalopathy, type 1. Last evaluated: 2022-05-11. Review status: criteria provided, single submitter. Criteria: ACMG Guidelines, 2015. Collection method: clinical testing. Allele origin: germline. Affected: yes. Observed: 1 variant allele.
Comment: ACMG criteria applied: PM2_SUP, PP3